The following is an entry in ClinVar:

NM_001267550.2(TTN):c.97475_97476del (p.Glu32492fs)

Genes: TTN-AS1 (TTN antisense RNA 1; plus strand), TTN (titin; minus strand). Cytogenetic location: 2q31.2.
Variant type: Microsatellite.
Coding change: c.97475_97476del on transcript NM_001267550.2 (MANE Select); coding-DNA positions 97475 to 97476, 2 bases deleted (AG; older notation c.97475_97476delAG).
Protein change: p.Glu32492fs; shifts the reading frame from glutamic acid 32492.
Molecular consequence: frameshift variant. On other transcripts: non-coding transcript variant (1).
Genome position (GRCh38, 1-based): chr2:178,542,280-178,542,281, CT deleted on the plus strand (AG on the coding strand, the reverse complement: TTN is on the minus strand); deleting any 2 consecutive bases within chr2:178,542,280-178,542,283 gives the same sequence; the c. name uses the placement nearest the transcript's 3' end. VCF-style (leftmost placement, unchanged base first): chr2-178542279-ACT-A. GRCh37 (hg19) VCF-style: chr2-179407006-ACT-A.
Other names: c.92552_92553del, p.Glu30851fs (NM_001256850.1); c.70280_70281del, p.Glu23427fs (NM_003319.4); c.89771_89772del, p.Glu29924fs (NM_133378.4); c.70655_70656del, p.Glu23552fs (NM_133432.3); c.70856_70857del, p.Glu23619fs (NM_133437.4); short protein forms E23427fs, E23552fs, E23619fs, E29924fs, E30851fs, E32492fs.
Identifiers: ClinVar variation 1067212 (VCV001067212.9), dbSNP rs2154142418, ClinGen allele CA2580614423.

ClinVar aggregate classification (germline): Likely pathogenic (1 of 4 stars; one submission).

Conditions:
Dilated cardiomyopathy 1G (CMD1G). Identifiers: Orphanet 154, MedGen C1858763, MONDO:0011400, OMIM 604145.
Autosomal recessive limb-girdle muscular dystrophy type 2J (LGMDR10). Also called: Limb-girdle muscular dystrophy, type 2J; MUSCULAR DYSTROPHY, LIMB-GIRDLE, AUTOSOMAL RECESSIVE 10. Identifiers: Orphanet 140922, MedGen C1837342, MONDO:0012127, OMIM 608807.

Submission:

Labcorp Genetics (formerly Invitae), Labcorp
Classification: Likely pathogenic for Dilated cardiomyopathy 1G; Autosomal recessive limb-girdle muscular dystrophy type 2J. Last evaluated: 2023-07-03. Review status: criteria provided, single submitter. Criteria: Invitae Variant Classification Sherloc (09022015). Collection method: clinical testing. Allele origin: germline.
Comment: This variant is located in the A band of TTN (PMID: 25589632). Truncating variants in this region are significantly overrepresented in patients affected with dilated cardiomyopathy (PMID: 25589632). Truncating variants in this region have also been reported in individuals affected with autosomal recessive centronuclear myopathy (PMID: 23975875). In summary, the currently available evidence indicates that the variant is pathogenic, but additional data are needed to prove that conclusively. Therefore, this variant has been classified as Likely Pathogenic. This sequence change creates a premature translational stop signal (p.Glu32492Valfs*18) in the TTN gene. While this is not anticipated to result in nonsense mediated decay, it is expected to create a truncated TTN protein. This variant is not present in population databases (gnomAD no frequency). This variant has not been reported in the literature in individuals affected with TTN-related conditions. ClinVar contains an entry for this variant (Variation ID: 1067212).

Literature cited by the submitters: PubMed 25589632; PubMed 23975875.